The following is an entry in ClinVar:

ClinVar aggregate classification (germline): Conflicting classifications of pathogenicity. Review status: criteria provided, conflicting classifications (1 of 4 stars). 4 submissions from 4 submitters: Uncertain significance (2); Benign (1); Likely benign (1). Last evaluated 2025-11-03.

Conditions:
Familial thoracic aortic aneurysm and aortic dissection (TAAD). Also called: Thoracic aortic aneurysms and dissections. Identifiers: Orphanet 91387, MedGen C4707243, MONDO:0019625.
Marfan syndrome (MFS). Also called: Marfan syndrome type 1; Marfan syndrome, classic; Marfan's syndrome; FBN1-Related Marfan Syndrome; MARFAN SYNDROME, TYPE I. Identifiers: Orphanet 284963, Orphanet 558, MedGen C0024796, MONDO:0007947, OMIM 154700.
Connective tissue disorder. Also called: Connective tissue disease. Identifiers: MedGen C0009782, MONDO:0003900.

Allele frequency attached by ClinVar (database versions not stated): ExAC 0.00001; gnomAD 0.00001; gnomAD exomes 0.00002 and 0.00001; TOPMed 0.00002.
gnomAD v4.1: 6 of 1,613,948 alleles (0.00037%); highest among the groups gnomAD compares: East Asian, 0.013%; no homozygotes.

Submissions (4):

Labcorp Genetics (formerly Invitae), Labcorp
Classification: Benign for Marfan syndrome; Familial thoracic aortic aneurysm and aortic dissection. Last evaluated: 2025-11-03. Review status: criteria provided, single submitter. Criteria: Invitae Variant Classification Sherloc (09022015). Collection method: clinical testing. Allele origin: germline.

All of Us Research Program, National Institutes of Health
Classification: Uncertain significance for Marfan syndrome. Last evaluated: 2024-09-27. Review status: criteria provided, single submitter. Criteria: ACMG Guidelines, 2015. Collection method: clinical testing. Allele origin: germline. Inheritance: Autosomal dominant inheritance. Observed: 2 variant alleles, 2 heterozygotes.
Comment: This missense variant replaces threonine with alanine at codon 305 of the FBN1 protein. Computational prediction suggests that this variant may not impact protein structure and function (internally defined REVEL score threshold <= 0.5, PMID: 27666373). To our knowledge, functional studies have not been reported for this variant. This variant has been reported in an individual affected with Marfan syndrome, as well as in the proband's asymptomatic brother and two unrelated, unaffected individuals (PMID: 27175573). This variant was also detected in an individual who had mitral valve prolapse and bicuspid aortic valve (PMID: 33064175). This variant has been identified in 7/282826 chromosomes in the general population by the Genome Aggregation Database (gnomAD). The available evidence is insufficient to determine the role of this variant in disease conclusively. Therefore, this variant is classified as a Variant of Uncertain Significance.

This study involves interpretation of variants in research participants for the purpose of population health screening. Participant phenotype was not available at the time of variant classification. Additional details can be found in publication PMID: 35346344, PMCID: PMC8962531

Color Diagnostics, LLC DBA Color Health
Classification: Uncertain significance for Familial thoracic aortic aneurysm and aortic dissection. Last evaluated: 2023-09-25. Review status: criteria provided, single submitter. Criteria: ACMG Guidelines, 2015. Collection method: clinical testing. Allele origin: germline.
Comment: This missense variant replaces threonine with alanine at codon 305 of the FBN1 protein. Computational prediction suggests that this variant may not impact protein structure and function (internally defined REVEL score threshold <= 0.5, PMID: 27666373). To our knowledge, functional studies have not been reported for this variant. This variant has been reported in an individual affected with Marfan syndrome, as well as in the proband's asymptomatic brother and two unrelated, unaffected individuals (PMID: 27175573). This variant was also detected in an individual who had mitral valve prolapse and bicuspid aortic valve (PMID: 33064175). This variant has been identified in 7/282826 chromosomes in the general population by the Genome Aggregation Database (gnomAD). The available evidence is insufficient to determine the role of this variant in disease conclusively. Therefore, this variant is classified as a Variant of Uncertain Significance.

Center for Human Genetics, Inc
Classification: Likely benign for Connective tissue disorder. Last evaluated: 2016-11-01. Review status: criteria provided, single submitter. Criteria: ACMG Guidelines, 2015. Collection method: clinical testing. Allele origin: germline. Affected: yes.

Literature cited by the submitters: PubMed 27175573 (cited by All of Us Research Program, National Institutes of Health and Color Diagnostics, LLC DBA Color Health); PubMed 33064175 (cited by All of Us Research Program, National Institutes of Health and Color Diagnostics, LLC DBA Color Health).

NM_000138.5(FBN1):c.913A>G (p.Thr305Ala)

Gene: FBN1 (fibrillin 1; minus strand). Cytogenetic location: 15q21.1.
Variant type: single nucleotide variant.
Coding change: c.913A>G on transcript NM_000138.5 (MANE Select); coding-DNA position 913, A replaced by G.
Protein change: p.Thr305Ala; replaces threonine 305 with alanine.
Molecular consequence: missense variant.
Genome position (GRCh38, 1-based): chr15:48,526,205, T>C on the plus strand (A>G on the coding strand, the complement: FBN1 is on the minus strand). VCF-style: chr15-48526205-T-C. GRCh37 (hg19) VCF-style: chr15-48818402-T-C.
Other names: short protein forms T305A.
Identifiers: ClinVar variation 547298 (VCV000547298.12), dbSNP rs758035051, ClinGen allele CA060364.